The following is an entry in ClinVar:

NM_002968.3(SALL1):c.2621A>C (p.Asn874Thr)

Gene: SALL1 (spalt like transcription factor 1; minus strand). Cytogenetic location: 16q12.1.
Variant type: single nucleotide variant.
Coding change: c.2621A>C on transcript NM_002968.3 (MANE Select); coding-DNA position 2621, A replaced by C.
Protein change: p.Asn874Thr; replaces asparagine 874 with threonine.
Molecular consequence: missense variant.
Genome position (GRCh38, 1-based): chr16:51,139,601, T>G on the plus strand (A>C on the coding strand, the complement: SALL1 is on the minus strand). VCF-style: chr16-51139601-T-G. GRCh37 (hg19) VCF-style: chr16-51173512-T-G.
Other names: c.2330A>C, p.Asn777Thr (NM_001127892.2); short protein forms N777T, N874T.
Identifiers: ClinVar variation 1331103 (VCV001331103.2), dbSNP rs971297683, ClinGen allele CA395884273.

ClinVar aggregate classification (germline): Uncertain significance (1 of 4 stars; one submission).

Submission:

GeneDx
Classification: Uncertain significance. Last evaluated: 2021-06-29. Review status: criteria provided, single submitter. Criteria: GeneDx Variant Classification Process June 2021. Collection method: clinical testing. Allele origin: germline. Affected: yes.
Comment: Not observed at significant frequency in large population cohorts (Lek et al., 2016); In silico analysis supports that this missense variant does not alter protein structure/function; Has not been previously published as pathogenic or benign to our knowledge; This variant is associated with the following publications: (PMID: 27535533)